The following is an entry in ClinVar:

NM_005476.7(GNE):c.2050C>A (p.Arg684Ser)

Gene: GNE (glucosamine (UDP-N-acetyl)-2-epimerase/N-acetylmannosamine kinase; minus strand). Cytogenetic location: 9p13.3.
Variant type: single nucleotide variant.
Coding change: c.2050C>A on transcript NM_005476.7 (MANE Select); coding-DNA position 2050, C replaced by A.
Protein change: p.Arg684Ser; replaces arginine 684 with serine.
Molecular consequence: missense variant.
Genome position (GRCh38, 1-based): chr9:36,217,484, G>T on the plus strand (C>A on the coding strand, the complement: GNE is on the minus strand). VCF-style: chr9-36217484-G-T. GRCh37 (hg19) VCF-style: chr9-36217481-G-T.
Other names: c.2143C>A, p.Arg715Ser (NM_001128227.3); c.1828C>A, p.Arg610Ser (NM_001190383.3); c.1720C>A, p.Arg574Ser (NM_001190384.3); c.1873C>A, p.Arg625Ser (NM_001190388.2, NM_001374798.1); c.1897C>A, p.Arg633Ser (NM_001374797.1); short protein forms R610S, R633S, R574S, R625S, R684S, R715S.
Identifiers: ClinVar variation 934010 (VCV000934010.10), dbSNP rs139347806, ClinGen allele CA5056364.
Genomic context (GRCh38, chr9:36,217,484, plus strand): 5'-GGTCAACCAAATCCGAAACCACCACATCCACGTCCTGCACGGAGGACAAGGCCTGCTGGC[G>T]AATGACGTCTTTGACAATGTGGATATAGTGACTGGCCAGGACTCCGGAGAGGATCACAAG-3'
Protein context (NP_005467.1, residues 674-694): HYIHIVKDVI[Arg684Ser]QQALSSVQDV

ClinVar aggregate classification (germline): Uncertain significance. Review status: criteria provided, single submitter (1 of 4 stars). 2 submissions from 2 submitters: Uncertain significance (1). 1 of the submissions does not count toward it. Last evaluated 2024-10-24.

Conditions:
GNE myopathy (NM). Also called: NONAKA DISTAL MYOPATHY; MYOPATHY, DISTAL, WITH OR WITHOUT RIMMED VACUOLES; INCLUSION BODY MYOPATHY, HEREDITARY, AUTOSOMAL RECESSIVE; INCLUSION BODY MYOPATHY 2, AUTOSOMAL RECESSIVE; IBM 2; Inclusion body myopathy autosomal recessive. Identifiers: Orphanet 602, MedGen C1853926, MONDO:0011603, OMIM 605820.
Sialuria. Also called: Sialic Acid Storage Disease; SIALURIA, FRENCH TYPE. Identifiers: Orphanet 3166, MedGen C0342853, MONDO:0010028, OMIM 269921.

Allele frequency attached by ClinVar (database versions not stated): TOPMed 0.00002; ESP Exome Variant Server 0.00008.
gnomAD v4.1: 5 of 1,613,934 alleles (0.00031%); highest among the groups gnomAD compares: African/African-American, 0.0053%; no homozygotes.

Submissions (2):

Labcorp Genetics (formerly Invitae), Labcorp
Classification: Uncertain significance for Sialuria; GNE myopathy. Last evaluated: 2024-10-24. Review status: criteria provided, single submitter. Criteria: Invitae Variant Classification Sherloc (09022015). Collection method: clinical testing. Allele origin: germline.
Comment: This sequence change replaces arginine, which is basic and polar, with serine, which is neutral and polar, at codon 715 of the GNE protein (p.Arg715Ser). This variant is present in population databases (rs139347806, gnomAD 0.01%). This variant has not been reported in the literature in individuals affected with GNE-related conditions. ClinVar contains an entry for this variant (Variation ID: 934010). Invitae Evidence Modeling of protein sequence and biophysical properties (such as structural, functional, and spatial information, amino acid conservation, physicochemical variation, residue mobility, and thermodynamic stability) has been performed for this missense variant. However, the output from this modeling did not meet the statistical confidence thresholds required to predict the impact of this variant on GNE protein function. In summary, the available evidence is currently insufficient to determine the role of this variant in disease. Therefore, it has been classified as a Variant of Uncertain Significance.

Natera, Inc.
Classification: Uncertain significance for Nonaka myopathy. Last evaluated: 2021-04-13. Review status: no assertion criteria provided. Collection method: clinical testing. Allele origin: germline. Not counted in ClinVar's aggregate classification.